The following is an entry in ClinVar:

NM_006445.4(PRPF8):c.6906A>T (p.Lys2302Asn)

Gene: PRPF8 (pre-mRNA processing factor 8; minus strand). Cytogenetic location: 17p13.3.
Variant type: single nucleotide variant.
Coding change: c.6906A>T on transcript NM_006445.4 (MANE Select); coding-DNA position 6906, A replaced by T.
Protein change: p.Lys2302Asn; replaces lysine 2302 with asparagine.
Molecular consequence: missense variant.
Genome position (GRCh38, 1-based): chr17:1,650,904, T>A on the plus strand (A>T on the coding strand, the complement: PRPF8 is on the minus strand). VCF-style: chr17-1650904-T-A. GRCh37 (hg19) VCF-style: chr17-1554198-T-A.
Other names: short protein forms K2302N.
Identifiers: ClinVar variation 2828910 (VCV002828910.3), dbSNP rs1044148837, ClinGen allele CA397562194.

ClinVar aggregate classification (germline): Uncertain significance (1 of 4 stars; one submission).

Submission:

Labcorp Genetics (formerly Invitae), Labcorp
Classification: Uncertain significance. Last evaluated: 2023-08-07. Review status: criteria provided, single submitter. Criteria: Invitae Variant Classification Sherloc (09022015). Collection method: clinical testing. Allele origin: germline.
Comment: This sequence change replaces lysine, which is basic and polar, with asparagine, which is neutral and polar, at codon 2302 of the PRPF8 protein (p.Lys2302Asn). This variant is not present in population databases (gnomAD no frequency). This variant has not been reported in the literature in individuals affected with PRPF8-related conditions. Advanced modeling of protein sequence and biophysical properties (such as structural, functional, and spatial information, amino acid conservation, physicochemical variation, residue mobility, and thermodynamic stability) performed at Invitae indicates that this missense variant is not expected to disrupt PRPF8 protein function. In summary, the available evidence is currently insufficient to determine the role of this variant in disease. Therefore, it has been classified as a Variant of Uncertain Significance.